The following is an entry in ClinVar:

NM_001035.3(RYR2):c.2263A>T (p.Ile755Phe)

Gene: RYR2 (ryanodine receptor 2; plus strand). Cytogenetic location: 1q43.
Variant type: single nucleotide variant.
Coding change: c.2263A>T on transcript NM_001035.3 (MANE Select); coding-DNA position 2263, A replaced by T.
Protein change: p.Ile755Phe; replaces isoleucine 755 with phenylalanine.
Molecular consequence: missense variant.
Genome position (GRCh38, 1-based): chr1:237,500,770, A>T. VCF-style: chr1-237500770-A-T. GRCh37 (hg19) VCF-style: chr1-237664070-A-T.
Other names: short protein forms I755F.
Identifiers: ClinVar variation 3009253 (VCV003009253.3), dbSNP rs1553474585, ClinGen allele CA345393121.
Genomic context (GRCh38, chr1:237,500,770, plus strand): 5'-GGTTGTATTGCTCGTACTGTAAGCTCACCAAACCAACATCTGTTAAGAACTGATGATGTC[A>T]TCAGTTGCTGTTTAGATCTGAGTGCCCCAAGCATCTCGTTCCGAATTAATGGACAACCTG-3'
Protein context (NP_001026.2, residues 745-765): NQHLLRTDDV[Ile755Phe]SCCLDLSAPS

ClinVar aggregate classification (germline): Uncertain significance (1 of 4 stars; one submission).

Conditions:
Catecholaminergic polymorphic ventricular tachycardia 1. Also called: VENTRICULAR TACHYCARDIA, CATECHOLAMINERGIC POLYMORPHIC, 1, WITH OR WITHOUT ATRIAL DYSFUNCTION AND/OR DILATED CARDIOMYOPATHY; VENTRICULAR TACHYCARDIA, STRESS-INDUCED POLYMORPHIC 1; RYR2-Related Catecholaminergic Polymorphic Ventricular Tachycardia. Identifiers: Orphanet 3286, MedGen C1631597, MONDO:0011484, OMIM 604772.

gnomAD v4.1: 2 of 1,613,982 alleles (0.00012%); highest among the groups gnomAD compares: Non-Finnish European, 0.00017%; no homozygotes.

Submission:

Labcorp Genetics (formerly Invitae), Labcorp
Classification: Uncertain significance for Catecholaminergic polymorphic ventricular tachycardia 1. Last evaluated: 2023-09-18. Review status: criteria provided, single submitter. Criteria: Invitae Variant Classification Sherloc (09022015). Collection method: clinical testing. Allele origin: germline.
Comment: In summary, the available evidence is currently insufficient to determine the role of this variant in disease. Therefore, it has been classified as a Variant of Uncertain Significance. Advanced modeling of protein sequence and biophysical properties (such as structural, functional, and spatial information, amino acid conservation, physicochemical variation, residue mobility, and thermodynamic stability) performed at Invitae indicates that this missense variant is not expected to disrupt RYR2 protein function. This variant has not been reported in the literature in individuals affected with RYR2-related conditions. This variant is not present in population databases (gnomAD no frequency). This sequence change replaces isoleucine, which is neutral and non-polar, with phenylalanine, which is neutral and non-polar, at codon 755 of the RYR2 protein (p.Ile755Phe).